The following is an entry in ClinVar:

NM_001330260.2(SCN8A):c.4553T>C (p.Phe1518Ser)

Gene: SCN8A (sodium voltage-gated channel alpha subunit 8; plus strand). Cytogenetic location: 12q13.13.
Variant type: single nucleotide variant.
Coding change: c.4553T>C on transcript NM_001330260.2 (MANE Select); coding-DNA position 4553, T replaced by C.
Protein change: p.Phe1518Ser; replaces phenylalanine 1518 with serine.
Molecular consequence: missense variant.
Genome position (GRCh38, 1-based): chr12:51,794,399, T>C. VCF-style: chr12-51794399-T-C. GRCh37 (hg19) VCF-style: chr12-52188183-T-C.
Other names: c.4430T>C, p.Phe1477Ser (NM_001177984.3, NM_001369788.1); c.4553T>C, p.Phe1518Ser (NM_014191.4); short protein forms F1518S, F1477S.
Identifiers: ClinVar variation 1521306 (VCV001521306.9), dbSNP rs2138919037, ClinGen allele CA384878481.

ClinVar aggregate classification (germline): Uncertain significance (1 of 4 stars; one submission).

Conditions:
Early-infantile DEE. Also called: Ohtahara syndrome; Early infantile epileptic encephalopathy; Early infantile epileptic encephalopathy with suppression bursts. Identifiers: Orphanet 1934, MedGen C0393706, MONDO:0800491.

Submission:

Labcorp Genetics (formerly Invitae), Labcorp
Classification: Uncertain significance for Early-infantile DEE. Last evaluated: 2022-08-10. Review status: criteria provided, single submitter. Criteria: Invitae Variant Classification Sherloc (09022015). Collection method: clinical testing. Allele origin: germline.
Comment: In summary, the available evidence is currently insufficient to determine the role of this variant in disease. Therefore, it has been classified as a Variant of Uncertain Significance. Algorithms developed to predict the effect of missense changes on protein structure and function are either unavailable or do not agree on the potential impact of this missense change (SIFT: "Deleterious"; PolyPhen-2: "Possibly Damaging"; Align-GVGD: "Class C0"). ClinVar contains an entry for this variant (Variation ID: 1521306). This variant has not been reported in the literature in individuals affected with SCN8A-related conditions. This variant is not present in population databases (gnomAD no frequency). This sequence change replaces phenylalanine, which is neutral and non-polar, with serine, which is neutral and polar, at codon 1518 of the SCN8A protein (p.Phe1518Ser).